The following is an entry in ClinVar:

NM_001164665.2(KIAA1549):c.1830T>A (p.Ser610Arg)

Gene: KIAA1549 (KIAA1549; minus strand). Cytogenetic location: 7q34.
Variant type: single nucleotide variant.
Coding change: c.1830T>A on transcript NM_001164665.2 (MANE Select); coding-DNA position 1830, T replaced by A.
Protein change: p.Ser610Arg; replaces serine 610 with arginine.
Molecular consequence: missense variant.
Genome position (GRCh38, 1-based): chr7:138,917,796, A>T on the plus strand (T>A on the coding strand, the complement: KIAA1549 is on the minus strand). VCF-style: chr7-138917796-A-T. GRCh37 (hg19) VCF-style: chr7-138602542-A-T.
Other names: c.1830T>A, p.Ser610Arg (NM_020910.3); c.1830T>A (NM_001164665.1); short protein forms S610R.
Identifiers: ClinVar variation 1479353 (VCV001479353.5), dbSNP rs774198545, ClinGen allele CA4506622.
Genomic context (GRCh38, chr7:138,917,796, plus strand): 5'-GGGTGTTGAGAAAAAGCTGGATGCAAAATCCAAAGCACCTCTGGGTTTATGCTCAGAAAA[A>T]CTGGAACGTTCTTGGTCAGAGAAAAGTGAAGACTCCACTGAAGGAACCAGACTATAAGGC-3'
Protein context (NP_001158137.1, residues 600-620): SSLFSDQERS[Ser610Arg]FSEHKPRGAL

ClinVar aggregate classification (germline): Uncertain significance. Review status: criteria provided, multiple submitters, no conflicts (2 of 4 stars). 2 submissions from 2 submitters: Uncertain significance (2). Last evaluated 2023-12-22.

Conditions:
Inborn genetic diseases. Identifiers: MedGen C0950123, MeSH D030342.

Allele frequency attached by ClinVar (database versions not stated): TOPMed below 0.00001; gnomAD exomes 0.00001; ExAC 0.00002.

Submissions (2):

Ambry Genetics
Classification: Uncertain significance for Inborn genetic diseases. Last evaluated: 2023-12-22. Review status: criteria provided, single submitter. Criteria: Ambry Variant Classification Scheme 2023. Collection method: clinical testing. Allele origin: germline.

Labcorp Genetics (formerly Invitae), Labcorp
Classification: Uncertain significance. Last evaluated: 2022-06-27. Review status: criteria provided, single submitter. Criteria: Invitae Variant Classification Sherloc (09022015). Collection method: clinical testing. Allele origin: germline.
Comment: In summary, the available evidence is currently insufficient to determine the role of this variant in disease. Therefore, it has been classified as a Variant of Uncertain Significance. Algorithms developed to predict the effect of missense changes on protein structure and function output the following: SIFT: "Deleterious"; PolyPhen-2: "Benign"; Align-GVGD: "Class C0". The arginine amino acid residue is found in multiple mammalian species, which suggests that this missense change does not adversely affect protein function. This variant has not been reported in the literature in individuals affected with KIAA1549-related conditions. The frequency data for this variant in the population databases is considered unreliable, as metrics indicate poor data quality at this position in the gnomAD database. This sequence change replaces serine, which is neutral and polar, with arginine, which is basic and polar, at codon 610 of the KIAA1549 protein (p.Ser610Arg).